The following is an entry in ClinVar:

NM_000548.5(TSC2):c.1599+4A>C

Gene: TSC2 (TSC complex subunit 2; plus strand). Cytogenetic location: 16p13.3.
Variant type: single nucleotide variant.
Coding change: c.1599+4A>C on transcript NM_000548.5 (MANE Select); 4 bases into the intron after coding-DNA position 1599, A replaced by C.
Molecular consequence: intron variant.
Genome position (GRCh38, 1-based): chr16:2,064,431, A>C. VCF-style: chr16-2064431-A-C. GRCh37 (hg19) VCF-style: chr16-2114432-A-C.
Other names: c.1599+4A>C (NM_001114382.3, NM_021055.3, NM_001370405.1 and 3 more transcripts); c.1488+4A>C (NM_001318827.2); c.999+4A>C (NM_001318831.2); c.1452+4A>C (NM_001318829.2); c.1632+4A>C (NM_001318832.2).
Identifiers: ClinVar variation 1700634 (VCV001700634.2), dbSNP rs2151192256, ClinGen allele CA2580090505.
Genomic context (GRCh38, chr16:2,064,431, plus strand): 5'-CTGGCAGAGGGCTGCCACACACACCACTTCAACAGCCTGCTGGACATCATCGAGAAGGTG[A>C]GAGCCGTTGTACCCGGGGCCGGGTGCTAGCGTGCCAGAGCTCCGTGGGCAGCAATGGCCT-3'

ClinVar aggregate classification (germline): Pathogenic (1 of 4 stars; one submission).

Conditions:
Tuberous sclerosis 2 (TSC2). Identifiers: Orphanet 805, MedGen C1860707, MONDO:0013199, OMIM 613254.

Submission:

Division of Genomic Medicine, Department of Advanced Medicine, Medical Research Institute, Kanazawa Medical University
Classification: Pathogenic for Tuberous sclerosis 2. Last evaluated: 2022-08-01. Review status: criteria provided, single submitter. Criteria: ACMG Guidelines, 2015. Collection method: clinical testing. Allele origin: germline. Affected: yes. Observed: 1 variant allele.
Comment: This base pair substitution is not found in the general population. Targeted RNA-seq of TSC2 showed aberrant splicing with activating the cryptic splice donor site, and estimated to protein-truncating mutation.